The following is an entry in ClinVar:

ClinVar aggregate classification (germline): Conflicting classifications of pathogenicity. Review status: criteria provided, conflicting classifications (1 of 4 stars). 14 submissions from 14 submitters: Uncertain significance (12); Benign (1). 1 of the submissions does not count toward it. Last evaluated 2026-01-20.

Conditions:
Familial adenomatous polyposis 1 (FAP1). Also called: FAMILIAL ADENOMATOUS POLYPOSIS 1, ATTENUATED; POLYPOSIS, ADENOMATOUS INTESTINAL. Identifiers: MedGen C2713442, MONDO:0021056, OMIM 175100. Disease mechanism: loss of function.
Classic or attenuated familial adenomatous polyposis. Identifiers: MedGen CN372698, MONDO:0021057.
Hereditary cancer-predisposing syndrome. Also called: Tumor predisposition; Hereditary neoplastic syndrome; Neoplastic Syndromes, Hereditary; Hereditary Cancer Syndrome. Identifiers: Orphanet 140162, MedGen C0027672, MeSH D009386, MONDO:0015356.

Allele frequency attached by ClinVar (database versions not stated): gnomAD exomes 0.00001; TOPMed below 0.00001; ExAC 0.00001; gnomAD 0.00001.

Submissions (14):

Labcorp Genetics (formerly Invitae), Labcorp
Classification: Uncertain significance for Familial adenomatous polyposis 1. Last evaluated: 2026-01-20. Review status: criteria provided, single submitter. Criteria: Invitae Variant Classification Sherloc (09022015). Collection method: clinical testing. Allele origin: germline.
Comment: This sequence change replaces valine, which is neutral and non-polar, with methionine, which is neutral and non-polar, at codon 481 of the APC protein (p.Val481Met). This variant is present in population databases (rs587780542, gnomAD 0.003%). This variant has not been reported in the literature in individuals affected with APC-related conditions. ClinVar contains an entry for this variant (Variation ID: 132722). Invitae Evidence Modeling of protein sequence and biophysical properties (such as structural, functional, and spatial information, amino acid conservation, physicochemical variation, residue mobility, and thermodynamic stability) indicates that this missense variant is not expected to disrupt APC protein function with a negative predictive value of 95%. In summary, the available evidence is currently insufficient to determine the role of this variant in disease. Therefore, it has been classified as a Variant of Uncertain Significance.

Ambry Genetics
Classification: Benign for Hereditary cancer-predisposing syndrome. Last evaluated: 2024-08-28. Review status: criteria provided, single submitter. Criteria: Ambry Variant Classification Scheme 2023. Collection method: clinical testing. Allele origin: germline.

All of Us Research Program, National Institutes of Health
Classification: Uncertain significance for Classic or attenuated familial adenomatous polyposis. Last evaluated: 2024-08-13. Review status: criteria provided, single submitter. Criteria: ACMG Guidelines, 2015. Collection method: clinical testing. Allele origin: germline. Inheritance: Autosomal dominant inheritance. Observed: 5 variant alleles, 5 heterozygotes.
Comment: This missense variant replaces valine with methionine at codon 481 of the APC protein. Computational prediction is inconclusive regarding the impact of this variant on protein structure and function (internally defined REVEL score threshold 0.5 < inconclusive < 0.7, PMID: 27666373). To our knowledge, functional studies have not been reported for this variant. This variant has not been reported in individuals affected with hereditary cancer in the literature. This variant has been identified in 4/282556 chromosomes in the general population by the Genome Aggregation Database (gnomAD). The available evidence is insufficient to determine the role of this variant in disease conclusively. Therefore, this variant is classified as a Variant of Uncertain Significance.

This study involves interpretation of variants in research participants for the purpose of population health screening. Participant phenotype was not available at the time of variant classification. Additional details can be found in publication PMID: 35346344, PMCID: PMC8962531

Color Diagnostics, LLC DBA Color Health
Classification: Uncertain significance for Hereditary cancer-predisposing syndrome. Last evaluated: 2024-07-30. Review status: criteria provided, single submitter. Criteria: ACMG Guidelines, 2015. Collection method: clinical testing. Allele origin: germline.
Comment: This missense variant replaces valine with methionine at codon 481 of the APC protein. Computational prediction suggests that this variant may not impact protein structure and function (internally defined REVEL score threshold <= 0.5, PMID: 27666373). To our knowledge, functional studies have not been reported for this variant. This variant has not been reported in individuals affected with APC-related disorders in the literature. This variant has been identified in 4/282556 chromosomes in the general population by the Genome Aggregation Database (gnomAD). The available evidence is insufficient to determine the role of this variant in disease conclusively. Therefore, this variant is classified as a Variant of Uncertain Significance.

Molecular Pathology, Peter Maccallum Cancer Centre
Classification: Uncertain significance for Familial adenomatous polyposis 1. Last evaluated: 2024-06-07. Review status: criteria provided, single submitter. Criteria: ACMG Guidelines, 2015. Collection method: clinical testing. Allele origin: germline. Inheritance: Autosomal dominant inheritance.

Baylor Genetics
Classification: Uncertain significance for Familial adenomatous polyposis 1. Last evaluated: 2023-10-16. Review status: criteria provided, single submitter. Criteria: ACMG Guidelines, 2015. Collection method: clinical testing. Allele origin: unknown.

GeneDx
Classification: Uncertain significance. Last evaluated: 2023-06-06. Review status: criteria provided, single submitter. Criteria: GeneDx Variant Classification Process June 2021. Collection method: clinical testing. Allele origin: germline. Affected: yes.
Comment: Not observed at significant frequency in large population cohorts (gnomAD); In silico analysis supports that this missense variant does not alter protein structure/function; Observed in an individual with a personal or family history of breast, ovarian, or colon cancer (Zidan et al., 2017); This variant is associated with the following publications: (PMID: 18199528, 28828701)

Myriad Genetics, Inc.
Classification: Uncertain significance for Familial adenomatous polyposis 1. Last evaluated: 2023-02-22. Review status: criteria provided, single submitter. Criteria: Myriad Autosomal Dominant, Autosomal Recessive and X-Linked Classification Criteria (2023). Collection method: clinical testing. Allele origin: unknown.
Comment: This variant is classified as a variant of uncertain significance as there is insufficient evidence to determine its impact on protein function and/or cancer risk.

Women's Health and Genetics/Laboratory Corporation of America, LabCorp
Classification: Uncertain significance. Last evaluated: 2022-11-17. Review status: criteria provided, single submitter. Criteria: LabCorp Variant Classification Summary - May 2015. Collection method: clinical testing. Allele origin: germline.
Comment: Variant summary: APC c.1441G>A (p.Val481Met) results in a conservative amino acid change in the encoded protein sequence. Three of five in-silico tools predict a benign effect of the variant on protein function. The variant allele was found at a frequency of 1.2e-05 in 251156 control chromosomes. The available data on variant occurrences in the general population are insufficient to allow any conclusion about variant significance. c.1441G>A has been reported in the literature in one individual affected with Breast or Ovarian cancer (Zadin_2017) without strong evidence for causality. This report does not provide unequivocal conclusions about association of the variant with Familial Adenomatous Polyposis. To our knowledge, no experimental evidence demonstrating an impact on protein function has been reported. Eight clinical diagnostic laboratories have submitted clinical-significance assessments for this variant to ClinVar after 2014 without evidence for independent evaluation. All laboratories classified the variant as uncertain significance. Based on the evidence outlined above, the variant was classified as uncertain significance.

Sema4
Classification: Uncertain significance for Hereditary cancer-predisposing syndrome. Last evaluated: 2022-02-13. Review status: criteria provided, single submitter. Criteria: Sema4 Curation Guidelines. Collection method: curation. Allele origin: germline.
Comment: The APC c.1441G>A (p.V481M) variant has been reported in at least one affected individual from a high-risk breast/ovarian cancer family (PMID: 28828701). It was observed in 4/282556 chromosomes of the Non-Finnish European subpopulation in the large and broad cohorts of the Genome Aggregation Database (PMID: 32461654). This variant has been reported in ClinVar (Variation ID 132722). Functional studies have not been performed, and in silico predictions of the variant's effect on protein function are inconclusive. The evidence is insufficient to meet ACMG/AMP criteria for classifying the variant as benign or pathogenic. Thus, the clinical significance of this variant is currently uncertain.

Department of Pathology and Laboratory Medicine, Sinai Health System
Classification: Uncertain significance for classic or attenuated familial adenomatous polyposis. Last evaluated: 2021-07-30. Review status: criteria provided, single submitter. Criteria: ACMG Guidelines, 2015. Collection method: research. Allele origin: germline.

Mendelics
Classification: Uncertain significance for Familial adenomatous polyposis 1. Last evaluated: 2019-05-28. Review status: criteria provided, single submitter. Criteria: Mendelics Assertion Criteria 2017. Collection method: clinical testing. Allele origin: unknown.

Quest Diagnostics Nichols Institute San Juan Capistrano
Classification: Uncertain significance. Last evaluated: 2019-04-22. Review status: criteria provided, single submitter. Criteria: Quest Diagnostics criteria. Collection method: clinical testing. Allele origin: germline.

Counsyl
Classification: Uncertain significance for Familial adenomatous polyposis 1. Last evaluated: 2017-03-07. Review status: no assertion criteria provided. Collection method: clinical testing. Allele origin: unknown. Not counted in ClinVar's aggregate classification.

Literature cited by the submitters: PubMed 28828701 (cited by Women's Health and Genetics/Laboratory Corporation of America, LabCorp and Sema4).

NM_000038.6(APC):c.1441G>A (p.Val481Met)

Gene: APC (APC regulator of Wnt signaling pathway; plus strand). Cytogenetic location: 5q22.2.
Variant type: single nucleotide variant.
Coding change: c.1441G>A on transcript NM_000038.6 (MANE Select); coding-DNA position 1441, G replaced by A.
Protein change: p.Val481Met; replaces valine 481 with methionine.
Molecular consequence: missense variant.
Genome position (GRCh38, 1-based): chr5:112,827,140, G>A. VCF-style: chr5-112827140-G-A. GRCh37 (hg19) VCF-style: chr5-112162837-G-A.
Other names: c.1441G>A, p.Val481Met (NM_001127510.3, NM_001354895.2); c.1387G>A, p.Val463Met (NM_001127511.3); c.1495G>A, p.Val499Met (NM_001354896.2); c.1471G>A, p.Val491Met (NM_001354897.2); c.1366G>A, p.Val456Met (NM_001354898.2); c.1357G>A, p.Val453Met (NM_001354899.2); c.1318G>A, p.Val440Met (NM_001354900.2); c.1264G>A, p.Val422Met (NM_001354901.2); and 5 more; short protein forms V481M, V463M, V198M, V321M, V355M, V380M, V422M, V453M.
Identifiers: ClinVar variation 132722 (VCV000132722.36), dbSNP rs587780542, ClinGen allele CA005150.